The following is an entry in ClinVar:

NM_001253697.2(ERBIN):c.3271C>T (p.Pro1091Ser)

Gene: ERBIN (erbb2 interacting protein; plus strand). Cytogenetic location: 5q12.3.
Variant type: single nucleotide variant.
Coding change: c.3271C>T on transcript NM_001253697.2 (MANE Select); coding-DNA position 3271, C replaced by T.
Protein change: p.Pro1091Ser; replaces proline 1091 with serine.
Molecular consequence: missense variant.
Genome position (GRCh38, 1-based): chr5:66,054,589, C>T. VCF-style: chr5-66054589-C-T. GRCh37 (hg19) VCF-style: chr5-65350417-C-T.
Other names: c.3271C>T, p.Pro1091Ser (NM_001006600.3, NM_001253698.2, NM_001253699.2 and 1 more transcripts); c.3259C>T, p.Pro1087Ser (NM_001253701.2); short protein forms P1087S, P1091S.
Identifiers: ClinVar variation 1584339 (VCV001584339.33), dbSNP rs114722905, ClinGen allele CA3286625.

ClinVar aggregate classification (germline): Benign/Likely benign. Review status: criteria provided, multiple submitters, no conflicts (2 of 4 stars). 3 submissions from 3 submitters: Benign (2); Likely benign (1). Last evaluated 2026-01-19.

Allele frequency attached by ClinVar (database versions not stated): gnomAD exomes 0.00026 and 0.00053; ExAC 0.00063; 1000 Genomes Project 0.00160; 1000 Genomes Project 30x 0.00187; gnomAD 0.00211 and 0.00235; ESP Exome Variant Server 0.00238; TOPMed 0.00248.
gnomAD v4.1: 713 of 1,614,094 alleles (0.044%); highest among the groups gnomAD compares: African/African-American, 0.84%; 1 homozygote.

Submissions (3):

Labcorp Genetics (formerly Invitae), Labcorp
Classification: Benign. Last evaluated: 2026-01-19. Review status: criteria provided, single submitter. Criteria: Invitae Variant Classification Sherloc (09022015). Collection method: clinical testing. Allele origin: germline.

Blueprint Genetics
Classification: Likely benign. Last evaluated: 2024-11-14. Review status: criteria provided, single submitter. Criteria: ACMG Guidelines, 2015. Collection method: clinical testing. Allele origin: germline.

CeGaT Center for Human Genetics Tuebingen
Classification: Benign. Last evaluated: 2022-07-01. Review status: criteria provided, single submitter. Criteria: CeGaT Center For Human Genetics Tuebingen Variant Classification Criteria Version 2. Collection method: clinical testing. Allele origin: germline. Affected: yes. Observed: 1 variant allele.
Comment: ERBIN: BS1, BS2